The following is an entry in ClinVar:

ClinVar aggregate classification (germline): Uncertain significance. Review status: criteria provided, multiple submitters, no conflicts (2 of 4 stars). 3 submissions from 3 submitters: Uncertain significance (3). Last evaluated 2023-08-17.

Conditions:
Fanconi anemia complementation group Q. Identifiers: Orphanet 84, MedGen C3808988, MONDO:0014108, OMIM 615272.
Cockayne syndrome. Identifiers: Orphanet 191, MedGen C0009207, MONDO:0016006.
Xeroderma pigmentosum, group F (XPF). Also called: XERODERMA PIGMENTOSUM, COMPLEMENTATION GROUP F; ERCC4-Related Xeroderma Pigmentosum; XERODERMA PIGMENTOSUM VI; XP, GROUP F; XERODERMA PIGMENTOSUM, TYPE F; Xeroderma pigmentosum, type 6. Identifiers: MedGen C0268140, MONDO:0010215, OMIM 278760.

Allele frequency attached by ClinVar (database versions not stated): gnomAD exomes 0.00001 and 0.00006; ExAC 0.00002; gnomAD 0.00004; TOPMed 0.00004.

Submissions (3):

Labcorp Genetics (formerly Invitae), Labcorp
Classification: Uncertain significance for Fanconi anemia complementation group Q; Xeroderma pigmentosum, group F; Cockayne syndrome. Last evaluated: 2023-08-17. Review status: criteria provided, single submitter. Criteria: Invitae Variant Classification Sherloc (09022015). Collection method: clinical testing. Allele origin: germline.
Comment: This sequence change replaces serine, which is neutral and polar, with threonine, which is neutral and polar, at codon 331 of the ERCC4 protein (p.Ser331Thr). This variant is present in population databases (rs762052950, gnomAD 0.04%). This variant has not been reported in the literature in individuals affected with ERCC4-related conditions. ClinVar contains an entry for this variant (Variation ID: 963460). Advanced modeling of protein sequence and biophysical properties (such as structural, functional, and spatial information, amino acid conservation, physicochemical variation, residue mobility, and thermodynamic stability) performed at Invitae indicates that this missense variant is not expected to disrupt ERCC4 protein function. In summary, the available evidence is currently insufficient to determine the role of this variant in disease. Therefore, it has been classified as a Variant of Uncertain Significance.

Laboratorio de Genetica e Diagnostico Molecular, Hospital Israelita Albert Einstein
Classification: Uncertain significance for Fanconi anemia complementation group Q. Last evaluated: 2022-01-04. Review status: criteria provided, single submitter. Criteria: ACMG Guidelines, 2015. Collection method: clinical testing. Allele origin: germline. Affected: yes.
Comment: ACMG classification criteria: PM2 moderate, BP4 supporting

Baylor Genetics
Classification: Uncertain significance for Fanconi anemia complementation group Q. Last evaluated: 2020-08-27. Review status: criteria provided, single submitter. Criteria: ACMG Guidelines, 2015. Collection method: clinical testing. Allele origin: unknown. Affected: yes. Study: CSER-TexasKidsCanSeq.
Comment: This variant was determined to be of uncertain significance according to ACMG Guidelines, 2015 [PMID:25741868].

NM_005236.3(ERCC4):c.991T>A (p.Ser331Thr)

Gene: ERCC4 (ERCC excision repair 4, endonuclease catalytic subunit; plus strand). Cytogenetic location: 16p13.12.
Variant type: single nucleotide variant.
Coding change: c.991T>A on transcript NM_005236.3 (MANE Select); coding-DNA position 991, T replaced by A.
Protein change: p.Ser331Thr; replaces serine 331 with threonine.
Molecular consequence: missense variant.
Genome position (GRCh38, 1-based): chr16:13,932,174, T>A. VCF-style: chr16-13932174-T-A. GRCh37 (hg19) VCF-style: chr16-14026031-T-A.
Other names: short protein forms S331T.
Identifiers: ClinVar variation 963460 (VCV000963460.10), dbSNP rs762052950, ClinGen allele CA7910335.
Genomic context (GRCh38, chr16:13,932,174, plus strand): 5'-ACCATAAATTGATGGCACTTTTTCTTTTAACTTTTCGTATTAGGTTGGCTGTTTCTTGAC[T>A]CCAGCACCTCGATGTTTATAAATGCTCGAGCAAGGGTTTATCATCTTCCAGATGCCAAAA-3'
Protein context (NP_005227.1, residues 321-341): GQNSGWLFLD[Ser331Thr]STSMFINARA